The following is an entry in ClinVar:

NM_018896.5(CACNA1G):c.6639C>A (p.Ser2213Arg)

Gene: CACNA1G (calcium voltage-gated channel subunit alpha1 G; plus strand). Cytogenetic location: 17q21.33.
Variant type: single nucleotide variant.
Coding change: c.6639C>A on transcript NM_018896.5 (MANE Select); coding-DNA position 6639, C replaced by A.
Protein change: p.Ser2213Arg; replaces serine 2213 with arginine.
Molecular consequence: missense variant. On other transcripts: non-coding transcript variant (5), intron variant (3).
Genome position (GRCh38, 1-based): chr17:50,626,256, C>A. VCF-style: chr17-50626256-C-A. GRCh37 (hg19) VCF-style: chr17-48703617-C-A.
Other names: c.6252C>A, p.Ser2084Arg (NM_001256360.2); c.6246C>A, p.Ser2082Arg (NM_001256361.2); c.6606C>A, p.Ser2202Arg (NM_198377.3); c.6327C>A, p.Ser2109Arg (NM_198378.3); c.6402C>A, p.Ser2134Arg (NM_198379.3); c.6471C>A, p.Ser2157Arg (NM_198380.3); c.6291C>A, p.Ser2097Arg (NM_198382.3); c.6426C>A, p.Ser2142Arg (NM_198383.3); and 18 more; short protein forms S2063R, S2068R, S2075R, S2079R, S2082R, S2084R, S2086R, S2093R.
Identifiers: ClinVar variation 4681424 (VCV004681424.5).
Genomic context (GRCh38, chr17:50,626,256, plus strand): 5'-GCCAGCCCCTTGCCCAGGCCCAGAACCCAACTGGGGCAAGGGCCCTCCAGAGACCAGAAG[C>A]AGCTTAGAGTTGGACACGGAGCTGAGCTGGATTTCAGGAGACCTCCTGCCCCCTGGCGGC-3'
Protein context (NP_061496.2, residues 2203-2223): NWGKGPPETR[Ser2213Arg]SLELDTELSW

ClinVar aggregate classification (germline): Likely benign (1 of 4 stars; one submission).

gnomAD v4.1: 4 of 1,613,784 alleles (0.00025%); highest among the groups gnomAD compares: Non-Finnish European, 0.000085%; no homozygotes.

Submission:

CeGaT Center for Human Genetics Tuebingen
Classification: Likely benign. Last evaluated: 2025-12-01. Review status: criteria provided, single submitter. Criteria: CeGaT Center For Human Genetics Tuebingen Variant Classification Criteria Version 2. Collection method: clinical testing. Allele origin: germline. Affected: yes. Observed: 1 variant allele.
Comment: CACNA1G: BS1